The following is an entry in ClinVar:

ClinVar aggregate classification (germline): Uncertain significance (1 of 4 stars; one submission).

Allele frequency attached by ClinVar (database versions not stated): gnomAD exomes 0.00001; ExAC 0.00005.
gnomAD v4.1: 9 of 1,550,674 alleles (0.00058%); highest among the groups gnomAD compares: South Asian, 0.0036%; no homozygotes.

Submission:

Labcorp Genetics (formerly Invitae), Labcorp
Classification: Uncertain significance. Last evaluated: 2025-01-22. Review status: criteria provided, single submitter. Criteria: Invitae Variant Classification Sherloc (09022015). Collection method: clinical testing. Allele origin: germline.
Comment: This sequence change replaces serine, which is neutral and polar, with leucine, which is neutral and non-polar, at codon 1355 of the CARMIL2 protein (p.Ser1355Leu). The frequency data for this variant in the population databases is considered unreliable, as metrics indicate poor data quality at this position in the gnomAD database. This variant has not been reported in the literature in individuals affected with CARMIL2-related conditions. ClinVar contains an entry for this variant (Variation ID: 2169157). An algorithm developed to predict the effect of missense changes on protein structure and function outputs the following: PolyPhen-2: "Benign". The leucine amino acid residue is found in multiple mammalian species, which suggests that this missense change does not adversely affect protein function. In summary, the available evidence is currently insufficient to determine the role of this variant in disease. Therefore, it has been classified as a Variant of Uncertain Significance.

NM_001013838.3(CARMIL2):c.4064C>T (p.Ser1355Leu)

Gene: CARMIL2 (capping protein regulator and myosin 1 linker 2; plus strand). Cytogenetic location: 16q22.1.
Variant type: single nucleotide variant.
Coding change: c.4064C>T on transcript NM_001013838.3 (MANE Select); coding-DNA position 4064, C replaced by T.
Protein change: p.Ser1355Leu; replaces serine 1355 with leucine.
Molecular consequence: missense variant. On other transcripts: intron variant (1).
Genome position (GRCh38, 1-based): chr16:67,656,828, C>T. VCF-style: chr16-67656828-C-T. GRCh37 (hg19) VCF-style: chr16-67690731-C-T.
Other names: c.3928+183C>T (NM_001317026.3); short protein forms S1355L.
Identifiers: ClinVar variation 2169157 (VCV002169157.4), dbSNP rs774821832, ClinGen allele CA8114250.